The following is an entry in ClinVar:

NM_001277115.2(DNAH11):c.7279C>G (p.Gln2427Glu)

Gene: DNAH11 (dynein axonemal heavy chain 11; plus strand). Cytogenetic location: 7p15.3.
Variant type: single nucleotide variant.
Coding change: c.7279C>G on transcript NM_001277115.2 (MANE Select); coding-DNA position 7279, C replaced by G.
Protein change: p.Gln2427Glu; replaces glutamine 2427 with glutamic acid.
Molecular consequence: missense variant.
Genome position (GRCh38, 1-based): chr7:21,725,823, C>G. VCF-style: chr7-21725823-C-G. GRCh37 (hg19) VCF-style: chr7-21765441-C-G.
Other names: short protein forms Q2427E.
Identifiers: ClinVar variation 666094 (VCV000666094.11), dbSNP rs202236144, ClinGen allele CA4181180.
Genomic context (GRCh38, chr7:21,725,823, plus strand): 5'-TTTTAATTACTTTGAGTCTGCAATAAGGATTTCTTTTGTTCTCCTTAGATTTCTGATTAT[C>G]AAGCTGACTTCAGTCGGTGGTGGCAGAAAGAGATGAAAGCAGTGAAATTTCCGTCGCAGG-3'
Protein context (NP_001264044.1, residues 2417-2437): TLLQDQISDY[Gln2427Glu]ADFSRWWQKE

ClinVar aggregate classification (germline): Conflicting classifications of pathogenicity. Review status: criteria provided, conflicting classifications (1 of 4 stars). 4 submissions from 4 submitters: Uncertain significance (3); Benign (1). Last evaluated 2026-04-02.

Conditions:
Primary ciliary dyskinesia. Also called: Ciliary dyskinesia. Identifiers: Orphanet 244, MedGen C0008780, MONDO:0016575, HP:0012265.

Allele frequency attached by ClinVar (database versions not stated): TOPMed 0.00005; gnomAD 0.00007 and 0.00006; ExAC 0.00003; gnomAD exomes 0.00003; ESP Exome Variant Server 0.00008.
gnomAD v4.1: 136 of 1,610,860 alleles (0.0084%); highest among the groups gnomAD compares: Non-Finnish European, 0.011%; no homozygotes.

Submissions (4):

GeneDx
Classification: Uncertain significance. Last evaluated: 2026-04-02. Review status: criteria provided, single submitter. Criteria: GeneDx Variant Classification Process June 2021. Collection method: clinical testing. Allele origin: germline.
Comment: In silico analysis suggests that this missense variant does not alter protein structure/function; This variant is associated with the following publications: (PMID: 29363216)

Labcorp Genetics (formerly Invitae), Labcorp
Classification: Benign for Primary ciliary dyskinesia. Last evaluated: 2025-07-27. Review status: criteria provided, single submitter. Criteria: Invitae Variant Classification Sherloc (09022015). Collection method: clinical testing. Allele origin: germline.

Ambry Genetics
Classification: Uncertain significance for Primary ciliary dyskinesia. Last evaluated: 2025-05-21. Review status: criteria provided, single submitter. Criteria: Ambry Variant Classification Scheme 2023. Collection method: clinical testing. Allele origin: germline.

Women's Health and Genetics/Laboratory Corporation of America, LabCorp
Classification: Uncertain significance. Last evaluated: 2024-07-29. Review status: criteria provided, single submitter. Criteria: LabCorp Variant Classification Summary - May 2015. Collection method: clinical testing. Allele origin: germline.